The following is an entry in ClinVar:

NM_013266.4(CTNNA3):c.41A>G (p.Gln14Arg)

Gene: CTNNA3 (catenin alpha 3; minus strand). Cytogenetic location: 10q21.3.
Variant type: single nucleotide variant.
Coding change: c.41A>G on transcript NM_013266.4 (MANE Select); coding-DNA position 41, A replaced by G.
Protein change: p.Gln14Arg; replaces glutamine 14 with arginine.
Molecular consequence: missense variant.
Genome position (GRCh38, 1-based): chr10:67,647,473, T>C on the plus strand (A>G on the coding strand, the complement: CTNNA3 is on the minus strand). VCF-style: chr10-67647473-T-C. GRCh37 (hg19) VCF-style: chr10-69407231-T-C.
Other names: c.41A>G, p.Gln14Arg (NM_001127384.3); c.77A>G, p.Gln26Arg (NM_001291133.2); short protein forms Q26R, Q14R.
Identifiers: ClinVar variation 4235671 (VCV004235671.2).

ClinVar aggregate classification (germline): Uncertain significance. Review status: criteria provided, multiple submitters, no conflicts (2 of 4 stars). 2 submissions from 2 submitters: Uncertain significance (2). Last evaluated 2025-12-22.

Conditions:
Arrhythmogenic right ventricular dysplasia 13. Also called: ARRHYTHMOGENIC RIGHT VENTRICULAR CARDIOMYOPATHY 13; Arrhythmogenic right ventricular dysplasia, familial, 13. Identifiers: MedGen C3810138, MONDO:0000908, OMIM 615616.

gnomAD v4.1: 3 of 1,613,512 alleles (0.00019%); highest among the groups gnomAD compares: Non-Finnish European, 0.00025%; no homozygotes.

Submissions (2):

Labcorp Genetics (formerly Invitae), Labcorp
Classification: Uncertain significance for Arrhythmogenic right ventricular dysplasia 13. Last evaluated: 2025-12-22. Review status: criteria provided, single submitter. Criteria: Invitae Variant Classification Sherloc (09022015). Collection method: clinical testing. Allele origin: germline.
Comment: This sequence change replaces glutamine, which is neutral and polar, with arginine, which is basic and polar, at codon 14 of the CTNNA3 protein (p.Gln14Arg). This variant is not present in population databases (gnomAD no frequency). This variant has not been reported in the literature in individuals affected with CTNNA3-related conditions. ClinVar contains an entry for this variant (Variation ID: 4235671). Invitae Evidence Modeling of protein sequence and biophysical properties (such as structural, functional, and spatial information, amino acid conservation, physicochemical variation, residue mobility, and thermodynamic stability) indicates that this missense variant is not expected to disrupt CTNNA3 protein function with a negative predictive value of 80%. In summary, the available evidence is currently insufficient to determine the role of this variant in disease. Therefore, it has been classified as a Variant of Uncertain Significance.

Ambry Genetics
Classification: Uncertain significance. Last evaluated: 2025-08-06. Review status: criteria provided, single submitter. Criteria: Ambry Variant Classification Scheme 2023. Collection method: clinical testing. Allele origin: germline.
Comment: The p.Q14R variant (also known as c.41A>G), located in coding exon 1 of the CTNNA3 gene, results from an A to G substitution at nucleotide position 41. The glutamine at codon 14 is replaced by arginine, an amino acid with highly similar properties. This amino acid position is conserved. In addition, this alteration is predicted to be tolerated by in silico analysis. Based on the available evidence, the clinical significance of this variant remains unclear.